The following is an entry in ClinVar:

ClinVar aggregate classification (germline): Uncertain significance. Review status: criteria provided, multiple submitters, no conflicts (2 of 4 stars). 3 submissions from 3 submitters: Uncertain significance (2). 1 of the submissions does not count toward it. Last evaluated 2025-09-10.

Conditions:
Juvenile polyposis syndrome (JPS). Identifiers: Orphanet 2929, MedGen C0345893, MONDO:0017380, OMIM 174900.

Submissions (3):

Genomic Medicine Center of Excellence, King Faisal Specialist Hospital and Research Centre
Classification: Uncertain significance for Juvenile polyposis syndrome. Last evaluated: 2025-09-10. Review status: criteria provided, single submitter. Criteria: ACMG Guidelines, 2015. Collection method: clinical testing. Allele origin: germline.

Labcorp Genetics (formerly Invitae), Labcorp
Classification: Uncertain significance for Juvenile polyposis syndrome. Last evaluated: 2024-03-16. Review status: criteria provided, single submitter. Criteria: Invitae Variant Classification Sherloc (09022015). Collection method: clinical testing. Allele origin: germline.
Comment: This sequence change replaces lysine, which is basic and polar, with isoleucine, which is neutral and non-polar, at codon 477 of the BMPR1A protein (p.Lys477Ile). This variant is not present in population databases (gnomAD no frequency). This variant has not been reported in the literature in individuals affected with BMPR1A-related conditions. ClinVar contains an entry for this variant (Variation ID: 545611). Advanced modeling of protein sequence and biophysical properties (such as structural, functional, and spatial information, amino acid conservation, physicochemical variation, residue mobility, and thermodynamic stability) performed at Invitae indicates that this missense variant is not expected to disrupt BMPR1A protein function with a negative predictive value of 80%. In summary, the available evidence is currently insufficient to determine the role of this variant in disease. Therefore, it has been classified as a Variant of Uncertain Significance.

Mayo Clinic Laboratories, Mayo Clinic
Classification: Uncertain significance. Last evaluated: 2017-11-22. Review status: no assertion criteria provided. Collection method: clinical testing. Allele origin: unknown. Not counted in ClinVar's aggregate classification.

NM_004329.3(BMPR1A):c.1430A>T (p.Lys477Ile)

Gene: BMPR1A (bone morphogenetic protein receptor type 1A; plus strand). Cytogenetic location: 10q23.2.
Variant type: single nucleotide variant.
Coding change: c.1430A>T on transcript NM_004329.3 (MANE Select); coding-DNA position 1430, A replaced by T.
Protein change: p.Lys477Ile; replaces lysine 477 with isoleucine.
Molecular consequence: missense variant.
Genome position (GRCh38, 1-based): chr10:86,923,463, A>T. VCF-style: chr10-86923463-A-T. GRCh37 (hg19) VCF-style: chr10-88683220-A-T.
Other names: short protein forms K477I.
Identifiers: ClinVar variation 545611 (VCV000545611.10), dbSNP rs767995260, ClinGen allele CA377463066.
Genomic context (GRCh38, chr10:86,923,463, plus strand): 5'-ATTACAACATGGTACCGAGTGATCCGTCATACGAAGATATGCGTGAGGTTGTGTGTGTCA[A>T]ACGTTTGCGGCCAATTGTGTCTAATCGGTGGAACAGTGATGAAGTGAGTGGAACTCAGTC-3'
Protein context (NP_004320.2, residues 467-487): YEDMREVVCV[Lys477Ile]RLRPIVSNRW